The following is an entry in ClinVar:

NM_001110219.3(GJB6):c.458T>G (p.Val153Gly)

Gene: GJB6 (gap junction protein beta 6; minus strand). Cytogenetic location: 13q12.11.
Variant type: single nucleotide variant.
Coding change: c.458T>G on transcript NM_001110219.3 (MANE Select); coding-DNA position 458, T replaced by G.
Protein change: p.Val153Gly; replaces valine 153 with glycine.
Molecular consequence: missense variant.
Genome position (GRCh38, 1-based): chr13:20,223,023, A>C on the plus strand (T>G on the coding strand, the complement: GJB6 is on the minus strand). VCF-style: chr13-20223023-A-C. GRCh37 (hg19) VCF-style: chr13-20797162-A-C.
Other names: c.458T>G, p.Val153Gly (NM_006783.5, NM_001110220.3, NM_001110221.3 and 3 more transcripts); c.458T>G (NM_006783.4); short protein forms V153G.
Identifiers: ClinVar variation 1482975 (VCV001482975.9), dbSNP rs779119807, ClinGen allele CA246490750.

ClinVar aggregate classification (germline): Uncertain significance. Review status: criteria provided, multiple submitters, no conflicts (2 of 4 stars). 2 submissions from 2 submitters: Uncertain significance (2). Last evaluated 2025-08-12.

Conditions:
Inborn genetic diseases. Identifiers: MedGen C0950123, MeSH D030342.
Autosomal dominant nonsyndromic hearing loss 3B. Identifiers: Orphanet 90635, MedGen C2675237, MONDO:0012975, OMIM 612643.
Hidrotic ectodermal dysplasia syndrome (GJB6). Also called: CLOUSTON HIDROTIC ECTODERMAL DYSPLASIA; Ectodermal dysplasia 2, hidrotic; Autosomal dominant hidrotic ectodermal dysplasia; Clouston syndrome; Clouston's hidrotic ectodermal dysplasia; Hidrotic ectodermal dysplasia. Identifiers: Orphanet 189, MedGen C0162361, MONDO:0007510, OMIM 129500.
Autosomal recessive nonsyndromic hearing loss 1A (DFNB1A). Also called: GJB6-Related DFNB 1 Nonsyndromic Hearing Loss and Deafness; Deafness, autosomal recessive 1A; Connexin 26 deafness; Deafness nonsyndromic, Connexin 26 linked; Nonsyndromic Hearing Loss and Deafness, DFNB1; GJB2-Related Autosomal Recessive Nonsyndromic Hearing Loss. Identifiers: Orphanet 90636, MedGen C2673759, MONDO:0009076, OMIM 220290.
Autosomal recessive nonsyndromic hearing loss 1B. Also called: DEAFNESS, AUTOSOMAL RECESSIVE 1B. Identifiers: Orphanet 90636, MedGen C2675235, MONDO:0012977, OMIM 612645.

Allele frequency attached by ClinVar (database versions not stated): gnomAD 0.00001.

Submissions (2):

Ambry Genetics
Classification: Uncertain significance for Inborn genetic diseases. Last evaluated: 2025-08-12. Review status: criteria provided, single submitter. Criteria: Ambry Variant Classification Scheme 2023. Collection method: clinical testing. Allele origin: germline.

Labcorp Genetics (formerly Invitae), Labcorp
Classification: Uncertain significance for Autosomal dominant nonsyndromic hearing loss 3B; Hidrotic ectodermal dysplasia syndrome; Autosomal recessive nonsyndromic hearing loss 1B; Autosomal recessive nonsyndromic hearing loss 1A. Last evaluated: 2021-02-22. Review status: criteria provided, single submitter. Criteria: Invitae Variant Classification Sherloc (09022015). Collection method: clinical testing. Allele origin: germline.
Comment: This variant is not present in population databases (ExAC no frequency). This sequence change replaces valine with glycine at codon 153 of the GJB6 protein (p.Val153Gly). The valine residue is moderately conserved and there is a moderate physicochemical difference between valine and glycine. This variant has not been reported in the literature in individuals with GJB6-related conditions. Algorithms developed to predict the effect of missense changes on protein structure and function are either unavailable or do not agree on the potential impact of this missense change (SIFT: "Deleterious"; PolyPhen-2: "Benign"; Align-GVGD: "Class C0"). In summary, the available evidence is currently insufficient to determine the role of this variant in disease. Therefore, it has been classified as a Variant of Uncertain Significance.